The following is an entry in ClinVar:

ClinVar aggregate classification (germline): Uncertain significance (1 of 4 stars; one submission).

Submission:

Labcorp Genetics (formerly Invitae), Labcorp
Classification: Uncertain significance. Last evaluated: 2024-12-23. Review status: criteria provided, single submitter. Criteria: Invitae Variant Classification Sherloc (09022015). Collection method: clinical testing. Allele origin: germline.
Comment: This sequence change replaces methionine, which is neutral and non-polar, with leucine, which is neutral and non-polar, at codon 305 of the MYO7A protein (p.Met305Leu). This variant is not present in population databases (gnomAD no frequency). This variant has not been reported in the literature in individuals affected with MYO7A-related conditions. Invitae Evidence Modeling of protein sequence and biophysical properties (such as structural, functional, and spatial information, amino acid conservation, physicochemical variation, residue mobility, and thermodynamic stability) indicates that this missense variant is not expected to disrupt MYO7A protein function with a negative predictive value of 95%. In summary, the available evidence is currently insufficient to determine the role of this variant in disease. Therefore, it has been classified as a Variant of Uncertain Significance.

NM_000260.4(MYO7A):c.913A>C (p.Met305Leu)

Gene: MYO7A (myosin VIIA; plus strand). Cytogenetic location: 11q13.5.
Variant type: single nucleotide variant.
Coding change: c.913A>C on transcript NM_000260.4 (MANE Select); coding-DNA position 913, A replaced by C.
Protein change: p.Met305Leu; replaces methionine 305 with leucine.
Molecular consequence: missense variant.
Genome position (GRCh38, 1-based): chr11:77,158,340, A>C. VCF-style: chr11-77158340-A-C. GRCh37 (hg19) VCF-style: chr11-76869386-A-C.
Other names: c.913A>C, p.Met305Leu (NM_001127180.2); c.880A>C, p.Met294Leu (NM_001369365.1); short protein forms M305L, M294L.
Identifiers: ClinVar variation 3634249 (VCV003634249.2).